The following is an entry in ClinVar:

ClinVar aggregate classification (germline): Benign/Likely benign. Review status: criteria provided, multiple submitters, no conflicts (2 of 4 stars). 5 submissions from 5 submitters: Benign (4); Likely benign (1). Last evaluated 2024-11-27.

Conditions:
Thrombocytopenia. Identifiers: MedGen C0040034, MeSH D013921, MONDO:0002049, HP:0001873.

Allele frequency attached by ClinVar (database versions not stated): 1000 Genomes Project 0.50479; 1000 Genomes Project 30x 0.51234; gnomAD exomes 0.59089; ExAC 0.59240; TOPMed 0.59284; gnomAD 0.60094 and 0.60773; ESP Exome Variant Server 0.61748.
gnomAD v4.1: 981,922 of 1,577,492 alleles (62%); highest among the groups gnomAD compares: Non-Finnish European, 65%; 309,341 homozygotes.

Submissions (5):

Blueprint Genetics
Classification: Likely benign. Last evaluated: 2024-11-27. Review status: criteria provided, single submitter. Criteria: ACMG Guidelines, 2015. Collection method: clinical testing. Allele origin: germline.

GeneDx
Classification: Benign. Last evaluated: 2021-06-19. Review status: criteria provided, single submitter. Criteria: GeneDx Variant Classification Process June 2021. Collection method: clinical testing. Allele origin: germline. Affected: yes.

Illumina Laboratory Services, Illumina
Classification: Benign for Thrombocytopenia. Last evaluated: 2018-01-13. Review status: criteria provided, single submitter. Criteria: ICSL Variant Classification Criteria 13 December 2019. Collection method: clinical testing. Allele origin: germline.
Comment: This variant was observed in the ICSL laboratory as part of a predisposition screen in an ostensibly healthy population. It had not been previously curated by ICSL or reported in the Human Gene Mutation Database (HGMD: prior to June 1st, 2018), and was therefore a candidate for classification through an automated scoring system. Utilizing variant allele frequency, disease prevalence and penetrance estimates, and inheritance mode, an automated score was calculated to assess if this variant is too frequent to cause the disease. Based on the score and internal cut-off values, a variant classified as benign is not then subjected to further curation. The score for this variant resulted in a classification of benign for this disease.

Breakthrough Genomics
Classification: Benign. Review status: criteria provided, single submitter. Criteria: ACMG Guidelines, 2015. Collection method: not provided. Allele origin: germline. Inheritance: Unknown mechanism. Affected: yes.

PreventionGenetics, part of Exact Sciences
Classification: Benign. Review status: criteria provided, single submitter. Criteria: ACMG Guidelines, 2015. Collection method: clinical testing. Allele origin: germline.

NM_001172303.3(MASTL):c.660+12A>T

Gene: MASTL (microtubule associated serine/threonine kinase like; plus strand). Cytogenetic location: 10p12.1.
Variant type: single nucleotide variant.
Coding change: c.660+12A>T on transcript NM_001172303.3 (MANE Select); 12 bases into the intron after coding-DNA position 660, A replaced by T.
Molecular consequence: intron variant.
Genome position (GRCh38, 1-based): chr10:27,165,182, A>T. VCF-style: chr10-27165182-A-T. GRCh37 (hg19) VCF-style: chr10-27454111-A-T.
Other names: c.177+12A>T (NM_001372029.1, NM_001372030.1); c.660+12A>T (NM_001320757.2, NM_001320756.2, NM_032844.5 and 1 more transcripts).
Identifiers: ClinVar variation 262126 (VCV000262126.10), dbSNP rs7068375, ClinGen allele CA5450026.
Genomic context (GRCh38, chr10:27,165,182, plus strand): 5'-TTCAAGAACCCCAGGACAAGTGTTATCGCTTATCAGCTCGTTGGGATTTGTAAGTACTTG[A>T]GAAGAAAATTAACATGACATACCCCTTCATGATCACCACTTAAAATTTAAAATCACCTTT-3'